The following is an entry in ClinVar:

NM_007118.4(TRIO):c.7448dup (p.Ser2484fs)

Gene: TRIO (trio Rho guanine nucleotide exchange factor; plus strand). Cytogenetic location: 5p15.2.
Variant type: Duplication.
Coding change: c.7448dup on transcript NM_007118.4 (MANE Select); coding-DNA position 7448, one base duplicated (G; older notation c.7448dupG).
Protein change: p.Ser2484fs; shifts the reading frame from serine 2484.
Molecular consequence: frameshift variant.
Genome position (GRCh38, 1-based): chr5:14,488,076, G duplicated; the last of 6 consecutive G bases (chr5:14,488,071-14,488,076); duplicating any one gives the same sequence. VCF-style (leftmost placement, unchanged base first): chr5-14488070-A-AG. GRCh37 (hg19) VCF-style: chr5-14488179-A-AG.
Other names: short protein forms S2484fs.
Identifiers: ClinVar variation 3384090 (VCV003384090.1).

ClinVar aggregate classification (germline): Likely pathogenic (1 of 4 stars; one submission).

Conditions:
Deafness. Identifiers: MedGen C0011053.

Submission:

Dubai Health Genomic Medicine Center, Dubai Health
Classification: Likely pathogenic for Deafness. Last evaluated: 2024-10-04. Review status: criteria provided, single submitter. Criteria: ACMG Guidelines, 2015. Collection method: research. Allele origin: germline. Affected: yes.
Comment: PVS1,PM2